The following is an entry in ClinVar:

ClinVar aggregate classification (germline): Uncertain significance. Review status: criteria provided, multiple submitters, no conflicts (2 of 4 stars). 3 submissions from 3 submitters: Uncertain significance (3). Last evaluated 2025-11-18.

Conditions:
Inborn genetic diseases. Identifiers: MedGen C0950123, MeSH D030342.

Allele frequency attached by ClinVar (database versions not stated): gnomAD exomes below 0.00001 and 0.00001; TOPMed 0.00001; ExAC 0.00002; gnomAD 0.00003 and 0.00004.
gnomAD v4.1: 9 of 1,588,134 alleles (0.00057%); highest among the groups gnomAD compares: Admixed American, 0.0036%; no homozygotes.

Submissions (3):

Labcorp Genetics (formerly Invitae), Labcorp
Classification: Uncertain significance. Last evaluated: 2025-11-18. Review status: criteria provided, single submitter. Criteria: Invitae Variant Classification Sherloc (09022015). Collection method: clinical testing. Allele origin: germline.
Comment: This sequence change replaces glycine, which is neutral and non-polar, with arginine, which is basic and polar, at codon 584 of the TRPM1 protein (p.Gly584Arg). This variant is present in population databases (rs757524853, gnomAD no frequency). This variant has not been reported in the literature in individuals affected with TRPM1-related conditions. ClinVar contains an entry for this variant (Variation ID: 1513108). Invitae Evidence Modeling of protein sequence and biophysical properties (such as structural, functional, and spatial information, amino acid conservation, physicochemical variation, residue mobility, and thermodynamic stability) indicates that this missense variant is not expected to disrupt TRPM1 protein function with a negative predictive value of 95%. In summary, the available evidence is currently insufficient to determine the role of this variant in disease. Therefore, it has been classified as a Variant of Uncertain Significance.

Blueprint Genetics
Classification: Uncertain significance. Last evaluated: 2024-07-29. Review status: criteria provided, single submitter. Criteria: ACMG Guidelines, 2015. Collection method: clinical testing. Allele origin: germline.

Ambry Genetics
Classification: Uncertain significance for Inborn genetic diseases. Last evaluated: 2022-05-26. Review status: criteria provided, single submitter. Criteria: Ambry Variant Classification Scheme 2023. Collection method: clinical testing. Allele origin: germline.

NM_001252024.2(TRPM1):c.1816G>A (p.Gly606Arg)

Gene: TRPM1 (transient receptor potential cation channel subfamily M member 1; minus strand). Cytogenetic location: 15q13.3.
Variant type: single nucleotide variant.
Coding change: c.1816G>A on transcript NM_001252024.2 (MANE Select); coding-DNA position 1816, G replaced by A.
Protein change: p.Gly606Arg; replaces glycine 606 with arginine.
Molecular consequence: missense variant.
Genome position (GRCh38, 1-based): chr15:31,042,222, C>T on the plus strand (G>A on the coding strand, the complement: TRPM1 is on the minus strand). VCF-style: chr15-31042222-C-T. GRCh37 (hg19) VCF-style: chr15-31334425-C-T.
Other names: c.1867G>A, p.Gly623Arg (NM_001252020.2); c.1750G>A, p.Gly584Arg (NM_002420.6); c.1750G>A (NM_002420.4); short protein forms G606R, G584R, G623R.
Identifiers: ClinVar variation 1513108 (VCV001513108.7), dbSNP rs757524853, ClinGen allele CA7452389.